The following is an entry in ClinVar:

NM_172107.4(KCNQ2):c.2410G>A (p.Gly804Ser)

Gene: KCNQ2 (potassium voltage-gated channel subfamily Q member 2; minus strand). Cytogenetic location: 20q13.33.
Variant type: single nucleotide variant.
Coding change: c.2410G>A on transcript NM_172107.4 (MANE Select); coding-DNA position 2410, G replaced by A.
Protein change: p.Gly804Ser; replaces glycine 804 with serine.
Molecular consequence: missense variant.
Genome position (GRCh38, 1-based): chr20:63,406,853, C>T on the plus strand (G>A on the coding strand, the complement: KCNQ2 is on the minus strand). VCF-style: chr20-63406853-C-T. GRCh37 (hg19) VCF-style: chr20-62038206-C-T.
Other names: c.2464G>A, p.Gly822Ser (NM_001382235.1); c.2353G>A, p.Gly785Ser (NM_001439003.1); c.2323G>A, p.Gly775Ser (NM_001439004.1); c.2326G>A, p.Gly776Ser (NM_004518.6); c.2356G>A, p.Gly786Ser (NM_172106.3); c.2317G>A, p.Gly773Ser (NM_172108.5); short protein forms G775S, G786S, G822S, G776S, G773S, G785S, G804S.
Identifiers: ClinVar variation 4739988 (VCV004739988.1).

ClinVar aggregate classification (germline): Uncertain significance (1 of 4 stars; one submission).

Conditions:
Early-infantile DEE. Also called: Early infantile epileptic encephalopathy; Ohtahara syndrome; Early infantile epileptic encephalopathy with suppression bursts. Identifiers: Orphanet 1934, MedGen C0393706, MONDO:0800491.

gnomAD v4.1: 5 of 1,612,394 alleles (0.00031%); highest among the groups gnomAD compares: Non-Finnish European, 0.00042%; no homozygotes.

Submission:

Labcorp Genetics (formerly Invitae), Labcorp
Classification: Uncertain significance for Early-infantile DEE. Last evaluated: 2025-09-16. Review status: criteria provided, single submitter. Criteria: Invitae Variant Classification Sherloc (09022015). Collection method: clinical testing. Allele origin: germline.
Comment: This sequence change replaces glycine, which is neutral and non-polar, with serine, which is neutral and polar, at codon 804 of the KCNQ2 protein (p.Gly804Ser). The frequency data for this variant in the population databases is considered unreliable, as metrics indicate poor data quality at this position in the gnomAD database. This variant has not been reported in the literature in individuals affected with KCNQ2-related conditions. Invitae Evidence Modeling of protein sequence and biophysical properties (such as structural, functional, and spatial information, amino acid conservation, physicochemical variation, residue mobility, and thermodynamic stability) has been performed for this missense variant. However, the output from this modeling did not meet the statistical confidence thresholds required to predict the impact of this variant on KCNQ2 protein function. In summary, the available evidence is currently insufficient to determine the role of this variant in disease. Therefore, it has been classified as a Variant of Uncertain Significance.